The following is an entry in ClinVar:

ClinVar aggregate classification (germline): Likely benign (1 of 4 stars; one submission).

Allele frequency attached by ClinVar (database versions not stated): gnomAD exomes below 0.00001 and 0.00001; gnomAD 0.00001; TOPMed 0.00001; ESP Exome Variant Server 0.00008.

Submission:

GeneDx
Classification: Likely benign. Last evaluated: 2016-01-04. Review status: criteria provided, single submitter. Criteria: GeneDx Variant Classification (06012015). Collection method: clinical testing. Allele origin: germline. Affected: yes.
Comment: This variant is considered likely benign or benign based on one or more of the following criteria: it is a conservative change, it occurs at a poorly conserved position in the protein, it is predicted to be benign by multiple in silico algorithms, and/or has population frequency not consistent with disease.

NM_000038.6(APC):c.-18-3dup

Gene: APC (APC regulator of WNT signaling pathway; plus strand). Cytogenetic location: 5q22.2.
Variant type: Duplication.
Coding change: c.-18-3dup on transcript NM_000038.6 (MANE Select); 3 bases into the intron before 18 bases upstream of the start codon, one base duplicated (T; older notation c.-18-3dupT).
Molecular consequence: intron variant.
Genome position (GRCh38, 1-based): chr5:112,754,870, T duplicated. VCF-style (leftmost placement, unchanged base first): chr5-112754869-A-AT. GRCh37 (hg19) VCF-style: chr5-112090566-A-AT.
Other names: c.-18-3dup (NM_001354895.2, NM_001127510.3, NM_001354896.2 and 2 more transcripts); c.166-11456dup (NM_001354897.2, NM_001354902.2, NM_001127511.3); c.61-11456dup (NM_001354898.2, NM_001354904.2); c.-1053-3dup (NM_001354906.2); c.-42-11456dup (NM_001354900.2, NM_001354901.2, NM_001354905.2).
Identifiers: ClinVar variation 418004 (VCV000418004.1), dbSNP rs1414740147, ClinGen allele CA16618065.